The following is an entry in ClinVar:

ClinVar aggregate classification (germline): Uncertain significance (1 of 4 stars; one submission).

Allele frequency attached by ClinVar (database versions not stated): gnomAD exomes below 0.00001 and 0.00001.
gnomAD v4.1: 8 of 1,596,372 alleles (0.0005%); highest among the groups gnomAD compares: Admixed American, 0.0033%; no homozygotes.

Submission:

Labcorp Genetics (formerly Invitae), Labcorp
Classification: Uncertain significance. Last evaluated: 2022-08-19. Review status: criteria provided, single submitter. Criteria: Invitae Variant Classification Sherloc (09022015). Collection method: clinical testing. Allele origin: germline.
Comment: In summary, the available evidence is currently insufficient to determine the role of this variant in disease. Therefore, it has been classified as a Variant of Uncertain Significance. Algorithms developed to predict the effect of missense changes on protein structure and function are either unavailable or do not agree on the potential impact of this missense change (SIFT: "Deleterious"; PolyPhen-2: "Possibly Damaging"; Align-GVGD: "Class C0"). ClinVar contains an entry for this variant (Variation ID: 1519297). This variant has not been reported in the literature in individuals affected with TBCK-related conditions. This variant is present in population databases (no rsID available, gnomAD 0.003%). This sequence change replaces serine, which is neutral and polar, with phenylalanine, which is neutral and non-polar, at codon 890 of the TBCK protein (p.Ser890Phe).

NM_001163435.3(TBCK):c.2669C>T (p.Ser890Phe)

Gene: TBCK (TBC1 domain containing kinase; minus strand). Cytogenetic location: 4q24.
Variant type: single nucleotide variant.
Coding change: c.2669C>T on transcript NM_001163435.3 (MANE Select); coding-DNA position 2669, C replaced by T.
Protein change: p.Ser890Phe; replaces serine 890 with phenylalanine.
Molecular consequence: missense variant.
Genome position (GRCh38, 1-based): chr4:106,046,583, G>A on the plus strand (C>T on the coding strand, the complement: TBCK is on the minus strand). VCF-style: chr4-106046583-G-A. GRCh37 (hg19) VCF-style: chr4-106967740-G-A.
Other names: c.2669C>T, p.Ser890Phe (NM_001163436.4); c.2552C>T, p.Ser851Phe (NM_001163437.3); c.2153C>T, p.Ser718Phe (NM_001290768.2); c.2480C>T, p.Ser827Phe (NM_033115.5); short protein forms S851F, S718F, S890F, S827F.
Identifiers: ClinVar variation 1519297 (VCV001519297.4), dbSNP rs1328797011, ClinGen allele CA357971234.